The following is an entry in ClinVar:

NM_199420.4(POLQ):c.1027T>G (p.Phe343Val)

Gene: POLQ (DNA polymerase theta; minus strand). Cytogenetic location: 3q13.33.
Variant type: single nucleotide variant.
Coding change: c.1027T>G on transcript NM_199420.4 (MANE Select); coding-DNA position 1027, T replaced by G.
Protein change: p.Phe343Val; replaces phenylalanine 343 with valine.
Molecular consequence: missense variant.
Genome position (GRCh38, 1-based): chr3:121,529,726, A>C on the plus strand (T>G on the coding strand, the complement: POLQ is on the minus strand). VCF-style: chr3-121529726-A-C. GRCh37 (hg19) VCF-style: chr3-121248573-A-C.
Other names: short protein forms F343V.
Identifiers: ClinVar variation 1769999 (VCV001769999.2), dbSNP rs2546817028, ClinGen allele CA354124635.

ClinVar aggregate classification (germline): Uncertain significance (1 of 4 stars; one submission).

Submission:

Ambry Genetics
Classification: Uncertain significance. Last evaluated: 2021-12-29. Review status: criteria provided, single submitter. Criteria: Ambry Variant Classification Scheme 2023. Collection method: clinical testing. Allele origin: germline.
Comment: The p.F343V variant (also known as c.1027T>G), located in coding exon 7 of the POLQ gene, results from a T to G substitution at nucleotide position 1027. The phenylalanine at codon 343 is replaced by valine, an amino acid with highly similar properties. This amino acid position is conserved. In addition, this alteration is predicted to be deleterious by in silico analysis. Since supporting evidence is limited at this time, the clinical significance of this alteration remains unclear.